The following is an entry in ClinVar:

NM_000106.6(CYP2D6):c.1321C>T (p.Arg441Cys)

Gene: CYP2D6 (cytochrome P450 family 2 subfamily D member 6 (gene/pseudogene); minus strand). Cytogenetic location: 22q13.2.
Variant type: single nucleotide variant.
Coding change: c.1321C>T on transcript NM_000106.6 (MANE Select); coding-DNA position 1321, C replaced by T.
Protein change: p.Arg441Cys; replaces arginine 441 with cysteine.
Molecular consequence: missense variant.
Genome position (GRCh38, 1-based): chr22:42,126,747, G>A on the plus strand (C>T on the coding strand, the complement: CYP2D6 is on the minus strand). VCF-style: chr22-42126747-G-A. GRCh37 (hg19) VCF-style: chr22-42522749-G-A.
Other names: c.1321C>T, p.Arg441Cys (LRG_303t1); c.1168C>T, p.Arg390Cys (NM_001025161.3); short protein forms R441C, R390C.
Identifiers: ClinVar variation 183246 (VCV000183246.3), dbSNP rs730882251, ClinGen allele CA235491.

ClinVar aggregate classification (germline): drug response (0 of 4 stars; one submission).

Allele frequency attached by ClinVar (database versions not stated): gnomAD exomes 0.00011 and 0.00018; TOPMed 0.00011; gnomAD 0.00016 and 0.00017; ExAC 0.00026.

Submission:

Center for Pediatric Genomic Medicine, Children's Mercy Hospital and Clinics
Classification: drug response. Review status: no assertion criteria provided. Collection method: not provided. Allele origin: unknown.
Comment: Local ID are assigned based on location in M33388 CYP2D6
ClinVar note: Converted during submission from drug-response to drug response.